The following is an entry in ClinVar:

ClinVar aggregate classification (germline): Uncertain significance (1 of 4 stars; one submission).

Conditions:
Ehlers-Danlos syndrome, classic type, 1 (EDSCL1). Also called: EHLERS-DANLOS SYNDROME, GRAVIS TYPE; EHLERS-DANLOS SYNDROME, SEVERE CLASSIC TYPE; Ehlers-Danlos syndrome, type 1; Ehlers-Danlos Syndrome, Classic Type, COL5A1-Related; EDS I. Identifiers: MedGen C0268335, MONDO:0019567, OMIM 130000.

Submission:

Labcorp Genetics (formerly Invitae), Labcorp
Classification: Uncertain significance for Ehlers-Danlos syndrome, classic type, 1. Last evaluated: 2025-07-23. Review status: criteria provided, single submitter. Criteria: Invitae Variant Classification Sherloc (09022015). Collection method: clinical testing. Allele origin: germline.
Comment: This sequence change replaces glycine, which is neutral and non-polar, with serine, which is neutral and polar, at codon 985 of the COL5A1 protein (p.Gly985Ser). This variant is not present in population databases (gnomAD no frequency). This variant has not been reported in the literature in individuals affected with COL5A1-related conditions. Experimental studies and prediction algorithms are not available or were not evaluated, and the functional significance of this variant is currently unknown. This variant disrupts the triple helix domain of COL5A1. Glycine residues within the Gly-Xaa-Yaa repeats of the triple helix domain are required for the structure and stability of fibrillar collagens (PMID: 7695699, 8218237, 19344236), and variants at these glycine residues in COL5A1 are more frequently observed in individuals with disease than in the general population (PMID: 22696272, 23587214). However, the clinical significance of this observation remains uncertain since only a limited number of affected individuals have been described to date. In summary, the available evidence is currently insufficient to determine the role of this variant in disease. Therefore, it has been classified as a Variant of Uncertain Significance.

Literature cited by the submitters: PubMed 7695699; PubMed 8218237; PubMed 19344236; PubMed 22696272; PubMed 23587214.

NM_000093.5(COL5A1):c.2953G>A (p.Gly985Ser)

Gene: COL5A1 (collagen type V alpha 1 chain; plus strand). Cytogenetic location: 9q34.3.
Variant type: single nucleotide variant.
Coding change: c.2953G>A on transcript NM_000093.5 (MANE Select); coding-DNA position 2953, G replaced by A.
Protein change: p.Gly985Ser; replaces glycine 985 with serine.
Molecular consequence: missense variant.
Genome position (GRCh38, 1-based): chr9:134,801,954, G>A. VCF-style: chr9-134801954-G-A. GRCh37 (hg19) VCF-style: chr9-137693800-G-A.
Other names: c.2953G>A, p.Gly985Ser (NM_001278074.1); short protein forms G985S.
Identifiers: ClinVar variation 4723852 (VCV004723852.1).